The following is an entry in ClinVar:

NM_017946.4(FKBP14):c.467C>A (p.Ser156Tyr)

Genes: FKBP14-AS1 (FKBP14 antisense RNA 1; plus strand), FKBP14 (FKBP prolyl isomerase 14; minus strand). Cytogenetic location: 7p14.3.
Variant type: single nucleotide variant.
Coding change: c.467C>A on transcript NM_017946.4 (MANE Select); coding-DNA position 467, C replaced by A.
Protein change: p.Ser156Tyr; replaces serine 156 with tyrosine.
Molecular consequence: missense variant. On other transcripts: non-coding transcript variant (2).
Genome position (GRCh38, 1-based): chr7:30,019,006, G>T on the plus strand (C>A on the coding strand, the complement: FKBP14 is on the minus strand). VCF-style: chr7-30019006-G-T. GRCh37 (hg19) VCF-style: chr7-30058622-G-T.
Other names: short protein forms S156Y.
Identifiers: ClinVar variation 1060813 (VCV001060813.8), dbSNP rs751708321, ClinGen allele CA4203406.

ClinVar aggregate classification (germline): Uncertain significance. Review status: criteria provided, multiple submitters, no conflicts (2 of 4 stars). 2 submissions from 2 submitters: Uncertain significance (2). Last evaluated 2022-11-01.

Conditions:
Cardiovascular phenotype. Identifiers: MedGen CN230736.
Ehlers-Danlos syndrome, kyphoscoliotic type, 2. Also called: Ehlers-Danlos syndrome with progressive kyphoscoliosis, myopathy, and hearing loss; Ehlers-Danlos syndrome, kyphoscoliotic and deafness type; FKBP14-Kyphoscoliotic Ehlers-Danlos Syndrome. Identifiers: Orphanet 300179, MedGen C3281160, MONDO:0013800, OMIM 614557.

Allele frequency attached by ClinVar (database versions not stated): TOPMed below 0.00001; gnomAD 0.00001.
gnomAD v4.1: 38 of 1,609,166 alleles (0.0024%); highest among the groups gnomAD compares: East Asian, 0.083%; no homozygotes.

Submissions (2):

Labcorp Genetics (formerly Invitae), Labcorp
Classification: Uncertain significance for Ehlers-Danlos syndrome, kyphoscoliotic type, 2. Last evaluated: 2022-11-01. Review status: criteria provided, single submitter. Criteria: Invitae Variant Classification Sherloc (09022015). Collection method: clinical testing. Allele origin: germline.
Comment: This sequence change replaces serine, which is neutral and polar, with tyrosine, which is neutral and polar, at codon 156 of the FKBP14 protein (p.Ser156Tyr). This variant is present in population databases (rs751708321, gnomAD 0.02%). This variant has not been reported in the literature in individuals affected with FKBP14-related conditions. ClinVar contains an entry for this variant (Variation ID: 1060813). Algorithms developed to predict the effect of missense changes on protein structure and function are either unavailable or do not agree on the potential impact of this missense change (SIFT: "Deleterious"; PolyPhen-2: "Probably Damaging"; Align-GVGD: "Class C0"). In summary, the available evidence is currently insufficient to determine the role of this variant in disease. Therefore, it has been classified as a Variant of Uncertain Significance.

Ambry Genetics
Classification: Uncertain significance for Cardiovascular phenotype. Last evaluated: 2022-02-10. Review status: criteria provided, single submitter. Criteria: Ambry Variant Classification Scheme 2023. Collection method: clinical testing. Allele origin: germline.
Comment: The p.S156Y variant (also known as c.467C>A), located in coding exon 3 of the FKBP14 gene, results from a C to A substitution at nucleotide position 467. The serine at codon 156 is replaced by tyrosine, an amino acid with dissimilar properties. This amino acid position is conserved. In addition, this alteration is predicted to be deleterious by in silico analysis. Since supporting evidence is limited at this time, the clinical significance of this alteration remains unclear.